The following is an entry in ClinVar:

ClinVar aggregate classification (germline): Likely benign (0 of 4 stars; one submission).

Conditions:
EHHADH-related disorder. Also called: EHHADH-related condition.

Allele frequency attached by ClinVar (database versions not stated): gnomAD exomes 0.00001; ExAC 0.00005; TOPMed 0.00008; gnomAD 0.00009.
gnomAD v4.1: 31 of 1,607,162 alleles (0.0019%); highest among the groups gnomAD compares: African/African-American, 0.026%; no homozygotes.

Submission:

PreventionGenetics, part of Exact Sciences
Classification: Likely benign for EHHADH-related condition. Last evaluated: 2023-04-24. Review status: no assertion criteria provided. Collection method: clinical testing. Allele origin: germline.
Comment: This variant is classified as likely benign based on ACMG/AMP sequence variant interpretation guidelines (Richards et al. 2015 PMID: 25741868, with internal and published modifications).

NM_001966.4(EHHADH):c.*10C>T

Gene: EHHADH (enoyl-CoA hydratase and 3-hydroxyacyl CoA dehydrogenase; minus strand). Cytogenetic location: 3q27.2.
Variant type: single nucleotide variant.
Coding change: c.*10C>T on transcript NM_001966.4 (MANE Select); 10 bases downstream of the stop codon, C replaced by T.
Molecular consequence: 3 prime UTR variant.
Genome position (GRCh38, 1-based): chr3:185,192,216, G>A on the plus strand (C>T on the coding strand, the complement: EHHADH is on the minus strand). VCF-style: chr3-185192216-G-A. GRCh37 (hg19) VCF-style: chr3-184910004-G-A.
Other names: c.*10C>T (NM_001166415.2).
Identifiers: ClinVar variation 3036095 (VCV003036095.2), dbSNP rs746403021, ClinGen allele CA2738835.